The following is an entry in ClinVar:

ClinVar aggregate classification (germline): Uncertain significance. Review status: criteria provided, multiple submitters, no conflicts (2 of 4 stars). 4 submissions from 4 submitters: Uncertain significance (4). Last evaluated 2024-04-29.

Conditions:
Inborn genetic diseases. Identifiers: MedGen C0950123, MeSH D030342.
Joubert syndrome 17 (JBTS17). Identifiers: Orphanet 475, MedGen C3553264, MONDO:0013824, OMIM 614615.
Orofaciodigital syndrome type 6 (OFD6). Also called: OROFACIODIGITAL SYNDROME VI; OFDS VI; POLYDACTYLY, CLEFT LIP/PALATE OR LINGUAL LUMP, AND PSYCHOMOTOR RETARDATION; VARADI SYNDROME; VARADI-PAPP SYNDROME; Oral-facial-digital syndrome type 6. Identifiers: Orphanet 2754, MedGen C2745997, MONDO:0010176, OMIM 277170.

Allele frequency attached by ClinVar (database versions not stated): gnomAD 0.00003 and 0.00004; gnomAD exomes 0.00004; TOPMed 0.00006; ExAC 0.00007; ESP Exome Variant Server 0.00008.
gnomAD v4.1: 201 of 1,613,908 alleles (0.012%); highest among the groups gnomAD compares: Non-Finnish European, 0.015%; no homozygotes.

Submissions (4):

Fulgent Genetics
Classification: Uncertain significance for Orofaciodigital syndrome type 6; Joubert syndrome 17. Last evaluated: 2024-04-29. Review status: criteria provided, single submitter. Criteria: ACMG Guidelines, 2015. Collection method: clinical testing. Allele origin: germline.

Labcorp Genetics (formerly Invitae), Labcorp
Classification: Uncertain significance. Last evaluated: 2023-12-07. Review status: criteria provided, single submitter. Criteria: Invitae Variant Classification Sherloc (09022015). Collection method: clinical testing. Allele origin: germline.
Comment: This sequence change replaces arginine, which is basic and polar, with cysteine, which is neutral and slightly polar, at codon 2961 of the CPLANE1 protein (p.Arg2961Cys). This variant is present in population databases (rs138862600, gnomAD 0.006%). This variant has not been reported in the literature in individuals affected with CPLANE1-related conditions. ClinVar contains an entry for this variant (Variation ID: 1204093). Advanced modeling of protein sequence and biophysical properties (such as structural, functional, and spatial information, amino acid conservation, physicochemical variation, residue mobility, and thermodynamic stability) performed at Invitae indicates that this missense variant is not expected to disrupt CPLANE1 protein function with a negative predictive value of 95%. In summary, the available evidence is currently insufficient to determine the role of this variant in disease. Therefore, it has been classified as a Variant of Uncertain Significance.

Ambry Genetics
Classification: Uncertain significance for Inborn genetic diseases. Last evaluated: 2022-02-11. Review status: criteria provided, single submitter. Criteria: Ambry Variant Classification Scheme 2023. Collection method: clinical testing. Allele origin: germline.

GeneDx
Classification: Uncertain significance. Last evaluated: 2020-07-19. Review status: criteria provided, single submitter. Criteria: GeneDx Variant Classification Process June 2021. Collection method: clinical testing. Allele origin: germline. Affected: yes.
Comment: Not observed at a significant frequency in large population cohorts (Lek et al., 2016); In silico analysis supports that this missense variant has a deleterious effect on protein structure/function; Has not been previously published as pathogenic or benign to our knowledge

NM_001384732.1(CPLANE1):c.9043C>T (p.Arg3015Cys)

Gene: CPLANE1 (ciliogenesis and planar polarity effector complex subunit 1; minus strand). Cytogenetic location: 5p13.2.
Variant type: single nucleotide variant.
Coding change: c.9043C>T on transcript NM_001384732.1 (MANE Select); coding-DNA position 9043, C replaced by T.
Protein change: p.Arg3015Cys; replaces arginine 3015 with cysteine.
Molecular consequence: missense variant.
Genome position (GRCh38, 1-based): chr5:37,121,759, G>A on the plus strand (C>T on the coding strand, the complement: CPLANE1 is on the minus strand). VCF-style: chr5-37121759-G-A. GRCh37 (hg19) VCF-style: chr5-37121861-G-A.
Other names: c.8881C>T, p.Arg2961Cys (NM_023073.4); short protein forms R2961C, R3015C.
Identifiers: ClinVar variation 1204093 (VCV001204093.11), dbSNP rs138862600, ClinGen allele CA3237579.